The following is an entry in ClinVar:

NM_001378454.1(ALMS1):c.803_805del (p.Ser268_Arg269delinsTer)

Gene: ALMS1 (ALMS1 centrosome and basal body associated protein; plus strand). Cytogenetic location: 2p13.1.
Variant type: Deletion.
Coding change: c.803_805del on transcript NM_001378454.1 (MANE Select); coding-DNA positions 803 to 805, 3 bases deleted (CTC; older notation c.803_805delCTC).
Protein change: p.Ser268_Arg269delinsTer.
Molecular consequence: nonsense.
Genome position (GRCh38, 1-based): chr2:73,424,468-73,424,470, CTC deleted. VCF-style (leftmost placement, unchanged base first): chr2-73424467-TCTC-T. GRCh37 (hg19) VCF-style: chr2-73651595-TCTC-T.
Other names: c.806_808delCTC (NM_015120.4); c.806_808del, p.Ser269_Arg270delinsTer (NM_015120.4).
Identifiers: ClinVar variation 558330 (VCV000558330.8), dbSNP rs758952057, ClinGen allele CA1712988.

ClinVar aggregate classification (germline): Pathogenic. Review status: criteria provided, single submitter (1 of 4 stars). 2 submissions from 2 submitters: Pathogenic (1). 1 of the submissions does not count toward it. Last evaluated 2021-10-08.

Conditions:
Alstrom syndrome (ALMS). Identifiers: Orphanet 64, MedGen C0268425, MONDO:0008763, OMIM 203800.

Allele frequency attached by ClinVar (database versions not stated): gnomAD exomes below 0.00001 and 0.00001; ExAC 0.00001.

Submissions (2):

Labcorp Genetics (formerly Invitae), Labcorp
Classification: Pathogenic for Alstrom syndrome. Last evaluated: 2021-10-08. Review status: criteria provided, single submitter. Criteria: Invitae Variant Classification Sherloc (09022015). Collection method: clinical testing. Allele origin: germline.
Comment: For these reasons, this variant has been classified as Pathogenic. ClinVar contains an entry for this variant (Variation ID: 558330). This variant has not been reported in the literature in individuals affected with ALMS1-related conditions. Experimental studies and prediction algorithms are not available or were not evaluated, and the functional significance of this variant is currently unknown. This variant is present in population databases (rs758952057, ExAC 0.002%). This sequence change creates a premature translational stop signal (p.Ser269*) in the ALMS1 gene. It is expected to result in an absent or disrupted protein product. Loss-of-function variants in ALMS1 are known to be pathogenic (PMID: 17594715).

Counsyl
Classification: Likely pathogenic for Alstrom syndrome. Last evaluated: 2018-05-14. Review status: no assertion criteria provided. Collection method: clinical testing. Allele origin: unknown. Not counted in ClinVar's aggregate classification.

Literature cited by the submitters: PubMed 17594715 (cited by Labcorp Genetics (formerly Invitae), Labcorp).